The following is an entry in ClinVar:

NM_206933.4(USH2A):c.3680del (p.Gly1227fs)

Genes: USH2A (usherin; minus strand), USH2A-AS1 (USH2A antisense RNA 1; plus strand). Cytogenetic location: 1q41.
Variant type: Deletion.
Coding change: c.3680del on transcript NM_206933.4 (MANE Select); coding-DNA position 3680, one base deleted (G; older notation c.3680delG).
Protein change: p.Gly1227fs; shifts the reading frame from glycine 1227.
Molecular consequence: frameshift variant.
Genome position (GRCh38, 1-based): chr1:216,199,758, C deleted on the plus strand (G on the coding strand, the reverse complement: USH2A is on the minus strand); the first of 5 consecutive C bases (chr1:216,199,758-216,199,762); deleting any one gives the same sequence. VCF-style (leftmost placement, unchanged base first): chr1-216199757-GC-G. GRCh37 (hg19) VCF-style: chr1-216373099-GC-G.
Other names: c.3680del, p.Gly1227fs (NM_007123.6); short protein forms G1227fs.
Identifiers: ClinVar variation 2202972 (VCV002202972.5), dbSNP rs1553313793, ClinGen allele CA2580062146.

ClinVar aggregate classification (germline): Pathogenic. Review status: criteria provided, multiple submitters, no conflicts (2 of 4 stars). 2 submissions from 2 submitters: Pathogenic (2). Last evaluated 2023-12-27.

Conditions:
Retinitis pigmentosa 39 (RP39). Identifiers: Orphanet 791, MedGen C3151138, MONDO:0013436, OMIM 613809.

Submissions (2):

Baylor Genetics
Classification: Pathogenic for Retinitis pigmentosa 39. Last evaluated: 2023-12-27. Review status: criteria provided, single submitter. Criteria: ACMG Guidelines, 2015. Collection method: clinical testing. Allele origin: unknown.

Labcorp Genetics (formerly Invitae), Labcorp
Classification: Pathogenic. Last evaluated: 2023-12-06. Review status: criteria provided, single submitter. Criteria: Invitae Variant Classification Sherloc (09022015). Collection method: clinical testing. Allele origin: germline.
Comment: This sequence change creates a premature translational stop signal (p.Gly1227Alafs*10) in the USH2A gene. It is expected to result in an absent or disrupted protein product. Loss-of-function variants in USH2A are known to be pathogenic (PMID: 10729113, 10909849, 20507924, 25649381). This variant is not present in population databases (gnomAD no frequency). This premature translational stop signal has been observed in individual(s) with Usher syndrome (PMID: 17405132, 22009552). ClinVar contains an entry for this variant (Variation ID: 2202972). For these reasons, this variant has been classified as Pathogenic.

Literature cited by the submitters: PubMed 10729113 (cited by Labcorp Genetics (formerly Invitae), Labcorp); PubMed 10909849 (cited by Labcorp Genetics (formerly Invitae), Labcorp); PubMed 20507924 (cited by Labcorp Genetics (formerly Invitae), Labcorp); PubMed 25649381 (cited by Labcorp Genetics (formerly Invitae), Labcorp); PubMed 17405132 (cited by Labcorp Genetics (formerly Invitae), Labcorp); PubMed 22009552 (cited by Labcorp Genetics (formerly Invitae), Labcorp).